The following is an entry in ClinVar:

ClinVar aggregate classification (germline): Uncertain significance (1 of 4 stars; one submission).

Conditions:
Cardiovascular phenotype. Identifiers: MedGen CN230736.
Hereditary cancer-predisposing syndrome. Also called: Hereditary Cancer Syndrome; Hereditary neoplastic syndrome; Neoplastic Syndromes, Hereditary; Tumor predisposition. Identifiers: Orphanet 140162, MedGen C0027672, MeSH D009386, MONDO:0015356.

Submission:

Ambry Genetics
Classification: Uncertain significance for Cardiovascular phenotype; Hereditary cancer-predisposing syndrome. Last evaluated: 2022-08-29. Review status: criteria provided, single submitter. Criteria: Ambry Variant Classification Scheme 2023. Collection method: clinical testing. Allele origin: germline.
Comment: The c.4367+2dupT intronic variant, results from a duplication of two nucleotides at nucleotide position 4367 after intron 32 of the NF1 gene. This nucleotide position is highly conserved in available vertebrate species. In silico splice site analysis for this alteration is inconclusive and direct evidence is insufficient at this time (Ambry internal data). Since supporting evidence is limited at this time, the clinical significance of this alteration remains unclear.

NM_001042492.3(NF1):c.4430+2dup

Gene: NF1 (neurofibromin 1; plus strand). Cytogenetic location: 17q11.2.
Variant type: Duplication.
Coding change: c.4430+2dup on transcript NM_001042492.3 (MANE Select); the canonical splice donor site of the intron after coding-DNA position 4430, one base duplicated (T; older notation c.4430+2dupT).
Molecular consequence: splice donor variant.
Genome position (GRCh38, 1-based): chr17:31,259,131, T duplicated. VCF-style (leftmost placement, unchanged base first): chr17-31259130-G-GT. GRCh37 (hg19) VCF-style: chr17-29586148-G-GT.
Other names: c.4367+2dupT (NM_000267.3); c.4367+2dup (NM_000267.4).
Identifiers: ClinVar variation 1740053 (VCV001740053.2), dbSNP rs2508414409, ClinGen allele CA2580093053.